The following is an entry in ClinVar:

NM_001378964.1(CDON):c.3022C>A (p.Gln1008Lys)

Gene: CDON (cell adhesion associated, oncogene regulated; minus strand). Cytogenetic location: 11q24.2.
Variant type: single nucleotide variant.
Coding change: c.3022C>A on transcript NM_001378964.1 (MANE Select); coding-DNA position 3022, C replaced by A.
Protein change: p.Gln1008Lys; replaces glutamine 1008 with lysine.
Molecular consequence: missense variant.
Genome position (GRCh38, 1-based): chr11:125,981,303, G>T on the plus strand (C>A on the coding strand, the complement: CDON is on the minus strand). VCF-style: chr11-125981303-G-T. GRCh37 (hg19) VCF-style: chr11-125851198-G-T.
Other names: c.3022C>A, p.Gln1008Lys (NM_001243597.3, NM_016952.6); short protein forms Q1008K.
Identifiers: ClinVar variation 3141685 (VCV003141685.2), dbSNP rs745989935, ClinGen allele CA6351525.

ClinVar aggregate classification (germline): Uncertain significance. Review status: criteria provided, multiple submitters, no conflicts (2 of 4 stars). 2 submissions from 2 submitters: Uncertain significance (2). Last evaluated 2024-06-12.

Conditions:
Inborn genetic diseases. Identifiers: MedGen C0950123, MeSH D030342.

Allele frequency attached by ClinVar (database versions not stated): ExAC 0.00004; TOPMed 0.00001.
gnomAD v4.1: 14 of 1,613,792 alleles (0.00087%); highest among the groups gnomAD compares: Middle Eastern, 0.033%; no homozygotes.

Submissions (2):

Women's Health and Genetics/Laboratory Corporation of America, LabCorp
Classification: Uncertain significance. Last evaluated: 2024-06-12. Review status: criteria provided, single submitter. Criteria: LabCorp Variant Classification Summary - May 2015. Collection method: clinical testing. Allele origin: germline.
Comment: Variant summary: CDON c.3022C>A (p.Gln1008Lys) results in a conservative amino acid change in the encoded protein sequence. Three of five in-silico tools predict a damaging effect of the variant on protein function. The variant allele was found at a frequency of 2.8e-05 in 251104 control chromosomes. The available data on variant occurrences in the general population are insufficient to allow any conclusion about variant significance. To our knowledge, no occurrence of c.3022C>A in individuals affected with Holoprosencephaly 11 and no experimental evidence demonstrating its impact on protein function have been reported. ClinVar contains an entry for this variant (Variation ID: 3141685). Based on the evidence outlined above, the variant was classified as uncertain significance.

Ambry Genetics
Classification: Uncertain significance for Inborn genetic diseases. Last evaluated: 2023-12-15. Review status: criteria provided, single submitter. Criteria: Ambry Variant Classification Scheme 2023. Collection method: clinical testing. Allele origin: germline.